The following is an entry in ClinVar:

ClinVar aggregate classification (germline): Uncertain significance (1 of 4 stars; one submission).

Submission:

GeneDx
Classification: Uncertain significance. Last evaluated: 2023-11-29. Review status: criteria provided, single submitter. Criteria: GeneDx Variant Classification Process June 2021. Collection method: clinical testing. Allele origin: germline. Affected: yes.
Comment: Not observed at significant frequency in large population cohorts (gnomAD); In silico analysis supports that this missense variant has a deleterious effect on protein structure/function; Has not been previously published as pathogenic or benign to our knowledge

NM_004247.4(EFTUD2):c.2336T>G (p.Leu779Arg)

Gene: EFTUD2 (elongation factor Tu GTP binding domain containing 2; minus strand). Cytogenetic location: 17q21.31.
Variant type: single nucleotide variant.
Coding change: c.2336T>G on transcript NM_004247.4 (MANE Select); coding-DNA position 2336, T replaced by G.
Protein change: p.Leu779Arg; replaces leucine 779 with arginine.
Molecular consequence: missense variant.
Genome position (GRCh38, 1-based): chr17:44,854,280, A>C on the plus strand (T>G on the coding strand, the complement: EFTUD2 is on the minus strand). VCF-style: chr17-44854280-A-C. GRCh37 (hg19) VCF-style: chr17-42931648-A-C.
Other names: c.2231T>G, p.Leu744Arg (NM_001142605.2); c.2336T>G, p.Leu779Arg (NM_001258353.2); c.2306T>G, p.Leu769Arg (NM_001258354.2); short protein forms L744R, L769R, L779R.
Identifiers: ClinVar variation 3364931 (VCV003364931.1).